The following is an entry in ClinVar:

ClinVar aggregate classification (germline): Uncertain significance (1 of 4 stars; one submission).

Conditions:
Hereditary diffuse gastric adenocarcinoma (HDGC). Also called: DIFFUSE GASTRIC AND LOBULAR BREAST CANCER SYNDROME. Identifiers: Orphanet 26106, MedGen C1708349, MONDO:0007648, OMIM 137215.

Submission:

Labcorp Genetics (formerly Invitae), Labcorp
Classification: Uncertain significance for Hereditary diffuse gastric adenocarcinoma. Last evaluated: 2025-05-19. Review status: criteria provided, single submitter. Criteria: Invitae Variant Classification Sherloc (09022015). Collection method: clinical testing. Allele origin: germline.
Comment: This sequence change replaces aspartic acid, which is acidic and polar, with glycine, which is neutral and non-polar, at codon 80 of the CDH1 protein (p.Asp80Gly). This variant is not present in population databases (gnomAD no frequency). This variant has not been reported in the literature in individuals affected with CDH1-related conditions. An algorithm developed to predict the effect of missense changes on protein structure and function (PolyPhen-2) suggests that this variant is likely to be disruptive. In summary, the available evidence is currently insufficient to determine the role of this variant in disease. Therefore, it has been classified as a Variant of Uncertain Significance.

NM_004360.5(CDH1):c.239A>G (p.Asp80Gly)

Gene: CDH1 (cadherin 1; plus strand). Cytogenetic location: 16q22.1.
Variant type: single nucleotide variant.
Coding change: c.239A>G on transcript NM_004360.5 (MANE Select); coding-DNA position 239, A replaced by G.
Protein change: p.Asp80Gly; replaces aspartic acid 80 with glycine.
Molecular consequence: missense variant. On other transcripts: 5 prime UTR variant (2).
Genome position (GRCh38, 1-based): chr16:68,801,745, A>G. VCF-style: chr16-68801745-A-G. GRCh37 (hg19) VCF-style: chr16-68835648-A-G.
Other names: c.239A>G, p.Asp80Gly (NM_001317184.2); c.-1377A>G (NM_001317185.2); c.-1581A>G (NM_001317186.2); short protein forms D80G.
Identifiers: ClinVar variation 4719829 (VCV004719829.1).
Genomic context (GRCh38, chr16:68,801,745, plus strand): 5'-GCACCGGTCGACAAAGGACAGCCTATTTTTCCCTCGACACCCGATTCAAAGTGGGCACAG[A>G]TGGTGTGATTACAGTCAAAAGGCCTCTACGGTTTCATAACCCACAGATCCATTTCTTGGT-3'
Protein context (NP_004351.1, residues 70-90): SLDTRFKVGT[Asp80Gly]GVITVKRPLR